The following is an entry in ClinVar:

ClinVar aggregate classification (germline): Pathogenic (1 of 4 stars; one submission).

Conditions:
Familial cancer of breast. Also called: hereditary breast carcinoma; BREAST CANCER, FAMILIAL; Hereditary breast cancer. Identifiers: Orphanet 227535, MedGen C0346153, MONDO:0016419, OMIM 114480. Disease mechanism: loss of function.

Submission:

Myriad Genetics, Inc.
Classification: Pathogenic for Familial cancer of breast. Last evaluated: 2024-01-31. Review status: criteria provided, single submitter. Criteria: Myriad Autosomal Dominant, Autosomal Recessive and X-Linked Classification Criteria (2023). Collection method: clinical testing. Allele origin: unknown.
Comment: This variant is considered pathogenic. This variant creates a termination codon and is predicted to result in premature protein truncation.

NM_000051.4(ATM):c.7720_7729del (p.Thr2573_Lys2574insTer)

Genes: ATM (ATM serine/threonine kinase; plus strand), C11orf65 (chromosome 11 open reading frame 65; minus strand). Cytogenetic location: 11q22.3.
Variant type: Deletion.
Coding change: c.7720_7729del on transcript NM_000051.4 (MANE Select); coding-DNA positions 7720 to 7729, 10 bases deleted (AAACCAGAGG; older notation c.7720_7729delAAACCAGAGG).
Protein change: p.Thr2573_Lys2574insTer.
Molecular consequence: nonsense. On other transcripts: intron variant (2).
Genome position (GRCh38, 1-based): chr11:108,331,969-108,331,978, AAACCAGAGG deleted. VCF-style (leftmost placement, unchanged base first): chr11-108331968-TAAACCAGAGG-T. GRCh37 (hg19) VCF-style: chr11-108202695-TAAACCAGAGG-T.
Other names: c.7720_7729del, p.Thr2573_Lys2574insTer (NM_001351834.2); c.641-22907_641-22898del (NM_001330368.2); c.*38+3242_*38+3251del (NM_001351110.2).
Identifiers: ClinVar variation 3148516 (VCV003148516.1), dbSNP rs2547284107, ClinGen allele CA2825001966.